The following is an entry in ClinVar:

ClinVar aggregate classification (germline): Benign/Likely benign. Review status: criteria provided, multiple submitters, no conflicts (2 of 4 stars). 7 submissions from 7 submitters: Benign (4); Likely benign (3). Last evaluated 2026-01-15.

Conditions:
Noonan syndrome (NS). Also called: Noonan's syndrome. Identifiers: Orphanet 648, MedGen C0028326, MeSH D009634, MONDO:0018997. Disease mechanism: gain of function.

Allele frequency attached by ClinVar (database versions not stated): gnomAD below 0.00001 and 0.00030; TOPMed 0.00003; gnomAD exomes 0.00054 and 0.00190; 1000 Genomes Project 30x 0.00172; 1000 Genomes Project 0.00220; ExAC 0.00416.
gnomAD v4.1: 787 of 1,509,946 alleles (0.052%); highest among the groups gnomAD compares: South Asian, 0.89%; 12 homozygotes.

Submissions (7):

Labcorp Genetics (formerly Invitae), Labcorp
Classification: Benign for Noonan syndrome. Last evaluated: 2026-01-15. Review status: criteria provided, single submitter. Criteria: Invitae Variant Classification Sherloc (09022015). Collection method: clinical testing. Allele origin: germline.

CeGaT Center for Human Genetics Tuebingen
Classification: Likely benign. Last evaluated: 2025-11-01. Review status: criteria provided, single submitter. Criteria: CeGaT Center For Human Genetics Tuebingen Variant Classification Criteria Version 2. Collection method: clinical testing. Allele origin: germline. Affected: yes. Observed: 2 variant alleles.
Comment: RRAS: BP4, BP7, BS2

Blueprint Genetics
Classification: Likely benign. Last evaluated: 2024-10-23. Review status: criteria provided, single submitter. Criteria: ACMG Guidelines, 2015. Collection method: clinical testing. Allele origin: germline.

Ambry Genetics
Classification: Likely benign. Last evaluated: 2022-05-30. Review status: criteria provided, single submitter. Criteria: Ambry Variant Classification Scheme 2023. Collection method: clinical testing. Allele origin: germline.

GeneDx
Classification: Benign. Last evaluated: 2021-02-16. Review status: criteria provided, single submitter. Criteria: GeneDx Variant Classification Process June 2021. Collection method: clinical testing. Allele origin: germline. Affected: yes.

Women's Health and Genetics/Laboratory Corporation of America, LabCorp
Classification: Benign. Last evaluated: 2019-10-21. Review status: criteria provided, single submitter. Criteria: LabCorp Variant Classification Summary - May 2015. Collection method: clinical testing. Allele origin: germline.

Breakthrough Genomics
Classification: Benign. Review status: criteria provided, single submitter. Criteria: ACMG Guidelines, 2015. Collection method: not provided. Allele origin: germline. Inheritance: Unknown mechanism. Affected: yes.

NM_006270.5(RRAS):c.54A>T (p.Gly18=)

Gene: RRAS (RAS related; minus strand). Cytogenetic location: 19q13.33.
Variant type: single nucleotide variant.
Coding change: c.54A>T on transcript NM_006270.5 (MANE Select); coding-DNA position 54, A replaced by T.
Protein change: p.Gly18=; no amino-acid change (glycine 18 retained).
Molecular consequence: synonymous variant.
Genome position (GRCh38, 1-based): chr19:49,640,045, T>A on the plus strand (A>T on the coding strand, the complement: RRAS is on the minus strand). VCF-style: chr19-49640045-T-A. GRCh37 (hg19) VCF-style: chr19-50143302-T-A.
Identifiers: ClinVar variation 707268 (VCV000707268.40), dbSNP rs571103858, ClinGen allele CA9579170.
Genomic context (GRCh38, chr19:49,640,045, plus strand): 5'-GCCGCCGCCCACGACCACCAGCTTGTGTGTCTCGCTGGGCGGGGGGTCCCCGGGCCCAGG[T>A]CCCCCGCCCCGGGGCCGCCCCCGCCCTGTCCCGGACGCCGCCCCGCTGCTCATGTCGCCA-3'
Protein context (NP_006261.1, residues 8-28): GTGRGRPRGG[Gly18=]PGPGDPPPSE